The following is an entry in ClinVar:

NM_021871.4(FGA):c.1690_1699dup (p.Ile567fs)

Gene: FGA (fibrinogen alpha chain; minus strand). Cytogenetic location: 4q31.3.
Variant type: Duplication.
Coding change: c.1690_1699dup on transcript NM_021871.4 (MANE Select); coding-DNA positions 1690 to 1699, 10 bases duplicated (CACCCTGGGA; older notation c.1690_1699dupCACCCTGGGA).
Protein change: p.Ile567fs; shifts the reading frame from isoleucine 567.
Molecular consequence: frameshift variant.
Genome position (GRCh38, 1-based): chr4:154,585,730-154,585,739, TCCCAGGGTG duplicated on the plus strand (CACCCTGGGA on the coding strand, the reverse complement: FGA is on the minus strand). VCF-style (leftmost placement, unchanged base first): chr4-154585729-A-ATCCCAGGGTG. GRCh37 (hg19) VCF-style: chr4-155506881-A-ATCCCAGGGTG.
Other names: c.1690_1699dup, p.Ile567fs (NM_000508.5); short protein forms I567fs.
Identifiers: ClinVar variation 1333679 (VCV001333679.1), dbSNP rs1302701490, ClinGen allele CA789378718.

ClinVar aggregate classification (germline): Likely pathogenic (1 of 4 stars; one submission).

Conditions:
Familial visceral amyloidosis, Ostertag type (AMYLD2). Also called: AMYLOIDOSIS VIII; Ostertag type amyloidosis; Amyloidosis, hepatic and systemic; AMYLOIDOSIS, HEREDITARY SYSTEMIC 2; Hereditary Renal Amyloidosis; Familial visceral amyloidosis. Identifiers: Orphanet 85450, MedGen C0268389, MONDO:0007099, OMIM 105200.

Allele frequency attached by ClinVar (database versions not stated): TOPMed below 0.00001; gnomAD exomes 0.00001.

Submission:

3billion
Classification: Likely pathogenic for Familial visceral amyloidosis, Ostertag type. Last evaluated: 2022-01-03. Review status: criteria provided, single submitter. Criteria: ACMG Guidelines, 2015. Collection method: clinical testing. Allele origin: germline. Affected: yes. Observed: 1 heterozygote.
Comment: It is observed at an extremely low frequency in the gnomAD v2.1.1 dataset (total allele frequency: 0.000008, PM2_M). Frameshift: predicted to result in a loss or disruption of normal protein function through protein truncation. The predicted truncated protein may be shortened by more than 10% (PVS1_S).Therefore, this variant is classified as likely pathogenic according to the recommendation of ACMG/AMP guideline.